The following is an entry in ClinVar:

ClinVar aggregate classification (germline): Uncertain significance. Review status: criteria provided, multiple submitters, no conflicts (2 of 4 stars). 2 submissions from 2 submitters: Uncertain significance (2). Last evaluated 2024-07-10.

Conditions:
Dyskeratosis congenita, autosomal dominant 6 (DKCA6). Identifiers: Orphanet 3322, MedGen C4225284, MONDO:0014690, OMIM 616553.
Inborn genetic diseases. Identifiers: MedGen C0950123, MeSH D030342.

Submissions (2):

Labcorp Genetics (formerly Invitae), Labcorp
Classification: Uncertain significance for Dyskeratosis congenita, autosomal dominant 6. Last evaluated: 2024-07-10. Review status: criteria provided, single submitter. Criteria: Invitae Variant Classification Sherloc (09022015). Collection method: clinical testing. Allele origin: germline.
Comment: This sequence change replaces glutamine, which is neutral and polar, with lysine, which is basic and polar, at codon 333 of the ACD protein (p.Gln333Lys). This variant is not present in population databases (gnomAD no frequency). This variant has not been reported in the literature in individuals affected with ACD-related conditions. ClinVar contains an entry for this variant (Variation ID: 642162). Advanced modeling of protein sequence and biophysical properties (such as structural, functional, and spatial information, amino acid conservation, physicochemical variation, residue mobility, and thermodynamic stability) performed at Invitae indicates that this missense variant is expected to disrupt ACD protein function with a positive predictive value of 80%. In summary, the available evidence is currently insufficient to determine the role of this variant in disease. Therefore, it has been classified as a Variant of Uncertain Significance.

Ambry Genetics
Classification: Uncertain significance for Inborn genetic diseases. Last evaluated: 2024-01-14. Review status: criteria provided, single submitter. Criteria: Ambry Variant Classification Scheme 2023. Collection method: clinical testing. Allele origin: germline.
Comment: The p.Q333K variant (also known as c.997C>A), located in coding exon 8 of the ACD gene, results from a C to A substitution at nucleotide position 997. The glutamine at codon 333 is replaced by lysine, an amino acid with similar properties. This amino acid position is conserved. In addition, this alteration is predicted to be tolerated by in silico analysis. Since supporting evidence is limited at this time, the clinical significance of this alteration remains unclear.

NM_001082486.2(ACD):c.739C>A (p.Gln247Lys)

Gene: ACD (ACD shelterin complex subunit and telomerase recruitment factor; minus strand). Cytogenetic location: 16q22.1.
Variant type: single nucleotide variant.
Coding change: c.739C>A on transcript NM_001082486.2 (MANE Select); coding-DNA position 739, C replaced by A.
Protein change: p.Gln247Lys; replaces glutamine 247 with lysine.
Molecular consequence: missense variant.
Genome position (GRCh38, 1-based): chr16:67,658,723, G>T on the plus strand (C>A on the coding strand, the complement: ACD is on the minus strand). VCF-style: chr16-67658723-G-T. GRCh37 (hg19) VCF-style: chr16-67692626-G-T.
Other names: c.739C>A, p.Gln247Lys (LRG_1237t1); c.730C>A, p.Gln244Lys (NM_022914.3); short protein forms Q244K, Q247K.
Identifiers: ClinVar variation 642162 (VCV000642162.9), dbSNP rs1597770431, ClinGen allele CA396353427.